The following is an entry in ClinVar:

NM_006063.3(KLHL41):c.65G>C (p.Gly22Ala)

Gene: KLHL41 (kelch like family member 41; plus strand). Cytogenetic location: 2q31.1.
Variant type: single nucleotide variant.
Coding change: c.65G>C on transcript NM_006063.3 (MANE Select); coding-DNA position 65, G replaced by C.
Protein change: p.Gly22Ala; replaces glycine 22 with alanine.
Molecular consequence: missense variant.
Genome position (GRCh38, 1-based): chr2:169,509,843, G>C. VCF-style: chr2-169509843-G-C. GRCh37 (hg19) VCF-style: chr2-170366353-G-C.
Other names: short protein forms G22A.
Identifiers: ClinVar variation 1479763 (VCV001479763.6), dbSNP rs780361528, ClinGen allele CA349172737.

ClinVar aggregate classification (germline): Uncertain significance (1 of 4 stars; one submission).

Conditions:
Nemaline myopathy 9 (NEM9). Identifiers: MedGen C3810384, MONDO:0014326, OMIM 615731.

Submission:

Labcorp Genetics (formerly Invitae), Labcorp
Classification: Uncertain significance for Nemaline myopathy 9. Last evaluated: 2022-10-18. Review status: criteria provided, single submitter. Criteria: Invitae Variant Classification Sherloc (09022015). Collection method: clinical testing. Allele origin: germline.
Comment: This sequence change replaces glycine, which is neutral and non-polar, with alanine, which is neutral and non-polar, at codon 22 of the KLHL41 protein (p.Gly22Ala). This variant is present in population databases (no rsID available, gnomAD 0.0009%). This variant has not been reported in the literature in individuals affected with KLHL41-related conditions. ClinVar contains an entry for this variant (Variation ID: 1479763). Advanced modeling of protein sequence and biophysical properties (such as structural, functional, and spatial information, amino acid conservation, physicochemical variation, residue mobility, and thermodynamic stability) performed at Invitae indicates that this missense variant is not expected to disrupt KLHL41 protein function. In summary, the available evidence is currently insufficient to determine the role of this variant in disease. Therefore, it has been classified as a Variant of Uncertain Significance.